The following is an entry in ClinVar:

ClinVar aggregate classification (germline): Uncertain significance. Review status: criteria provided, multiple submitters, no conflicts (2 of 4 stars). 2 submissions from 2 submitters: Uncertain significance (2). Last evaluated 2024-12-16.

Conditions:
Inborn genetic diseases. Identifiers: MedGen C0950123, MeSH D030342.

Allele frequency attached by ClinVar (database versions not stated): gnomAD exomes below 0.00001; ExAC 0.00001; TOPMed 0.00001; ESP Exome Variant Server 0.00008.
gnomAD v4.1: 1 of 1,614,012 alleles (0.000062%); highest among the groups gnomAD compares: African/African-American, 0.0013%; no homozygotes.

Submissions (2):

Ambry Genetics
Classification: Uncertain significance for Inborn genetic diseases. Last evaluated: 2024-12-16. Review status: criteria provided, single submitter. Criteria: Ambry Variant Classification Scheme 2023. Collection method: clinical testing. Allele origin: germline.
Comment: The p.R1318W variant (also known as c.3952A>T), located in coding exon 13 of the ASXL1 gene, results from an A to T substitution at nucleotide position 3952. The arginine at codon 1318 is replaced by tryptophan, an amino acid with dissimilar properties. This amino acid position is conserved. In addition, this alteration is predicted to be tolerated by in silico analysis. Based on the available evidence, the clinical significance of this variant remains unclear.

Labcorp Genetics (formerly Invitae), Labcorp
Classification: Uncertain significance. Last evaluated: 2023-08-29. Review status: criteria provided, single submitter. Criteria: Invitae Variant Classification Sherloc (09022015). Collection method: clinical testing. Allele origin: germline.
Comment: In summary, the available evidence is currently insufficient to determine the role of this variant in disease. Therefore, it has been classified as a Variant of Uncertain Significance. An algorithm developed to predict the effect of missense changes on protein structure and function (PolyPhen-2) suggests that this variant is likely to be disruptive. This variant has not been reported in the literature in individuals affected with ASXL1-related conditions. This variant is not present in population databases (gnomAD no frequency). This sequence change replaces arginine, which is basic and polar, with tryptophan, which is neutral and slightly polar, at codon 1318 of the ASXL1 protein (p.Arg1318Trp).

NM_015338.6(ASXL1):c.3952A>T (p.Arg1318Trp)

Gene: ASXL1 (ASXL transcriptional regulator 1; plus strand). Cytogenetic location: 20q11.21.
Variant type: single nucleotide variant.
Coding change: c.3952A>T on transcript NM_015338.6 (MANE Select); coding-DNA position 3952, A replaced by T.
Protein change: p.Arg1318Trp; replaces arginine 1318 with tryptophan.
Molecular consequence: missense variant.
Genome position (GRCh38, 1-based): chr20:32,436,664, A>T. VCF-style: chr20-32436664-A-T. GRCh37 (hg19) VCF-style: chr20-31024467-A-T.
Other names: c.3769A>T, p.Arg1257Trp (NM_001363734.1); short protein forms R1257W, R1318W.
Identifiers: ClinVar variation 3019807 (VCV003019807.4), dbSNP rs373632896, ClinGen allele CA9808932.